The following is an entry in ClinVar:

ClinVar aggregate classification (germline): Likely benign. Review status: criteria provided, multiple submitters, no conflicts (2 of 4 stars). 3 submissions from 3 submitters: Likely benign (3). Last evaluated 2026-09-01.

Allele frequency attached by ClinVar (database versions not stated): 1000 Genomes Project 0.00280; 1000 Genomes Project 30x 0.00281; gnomAD 0.00470 and 0.00472; TOPMed 0.00474; gnomAD exomes 0.00521; ExAC 0.00550; ESP Exome Variant Server 0.00623.
gnomAD v4.1: 12,068 of 1,614,214 alleles (0.75%); highest among the groups gnomAD compares: Non-Finnish European, 0.91%; 61 homozygotes.

Submissions (3):

CeGaT Center for Human Genetics Tuebingen
Classification: Likely benign. Last evaluated: 2026-09-01. Review status: criteria provided, single submitter. Criteria: CeGaT Center For Human Genetics Tuebingen Variant Classification Criteria Version 2. Collection method: clinical testing. Allele origin: germline. Affected: yes. Observed: 1 variant allele.
Comment: CCL22: BP4, BS2

Labcorp Genetics (formerly Invitae), Labcorp
Classification: Likely benign. Last evaluated: 2018-07-31. Review status: criteria provided, single submitter. Criteria: Invitae Variant Classification Sherloc (09022015). Collection method: clinical testing. Allele origin: germline.

Breakthrough Genomics
Classification: Likely benign. Review status: criteria provided, single submitter. Criteria: ACMG Guidelines, 2015. Collection method: not provided. Allele origin: germline. Inheritance: Unknown mechanism. Affected: yes.

NM_002990.5(CCL22):c.118T>C (p.Tyr40His)

Gene: CCL22 (C-C motif chemokine ligand 22; plus strand). Cytogenetic location: 16q21.
Variant type: single nucleotide variant.
Coding change: c.118T>C on transcript NM_002990.5 (MANE Select); coding-DNA position 118, T replaced by C.
Protein change: p.Tyr40His; replaces tyrosine 40 with histidine.
Molecular consequence: missense variant.
Genome position (GRCh38, 1-based): chr16:57,360,481, T>C. VCF-style: chr16-57360481-T-C. GRCh37 (hg19) VCF-style: chr16-57394393-T-C.
Other names: short protein forms Y40H.
Identifiers: ClinVar variation 769900 (VCV000769900.5), dbSNP rs41398344, ClinGen allele CA8075236.
Genomic context (GRCh38, chr16:57,360,481, plus strand): 5'-GGGACCCCTCCCCTAGGCCCCTACGGCGCCAACATGGAAGACAGCGTCTGCTGCCGTGAT[T>C]ACGTCCGTTACCGTCTGCCCCTGCGCGTGGTGAAACACTTCTACTGGACCTCAGACTCCT-3'
Protein context (NP_002981.2, residues 30-50): NMEDSVCCRD[Tyr40His]VRYRLPLRVV